The following is an entry in ClinVar:

NM_025099.6(CTC1):c.3278T>C (p.Val1093Ala)

Gene: CTC1 (CST telomere replication complex component 1; minus strand). Cytogenetic location: 17p13.1.
Variant type: single nucleotide variant.
Coding change: c.3278T>C on transcript NM_025099.6 (MANE Select); coding-DNA position 3278, T replaced by C.
Protein change: p.Val1093Ala; replaces valine 1093 with alanine.
Molecular consequence: missense variant. On other transcripts: non-coding transcript variant (1).
Genome position (GRCh38, 1-based): chr17:8,228,836, A>G on the plus strand (T>C on the coding strand, the complement: CTC1 is on the minus strand). VCF-style: chr17-8228836-A-G. GRCh37 (hg19) VCF-style: chr17-8132154-A-G.
Other names: short protein forms V1093A.
Identifiers: ClinVar variation 1495887 (VCV001495887.6), dbSNP rs2151498924, ClinGen allele CA397969324.
Genomic context (GRCh38, chr17:8,228,836, plus strand): 5'-ACTTGGACGAAATCTAGGAGGGAGGCCCACTCTCTAGGACACAGCCCTAGTGCTGCTGCC[A>G]CATGGTGATTCCTACAGGTCACCACGGCTTCGGCAGTCCCATCCTCCACCAGGAGCCTAT-3'
Protein context (NP_079375.3, residues 1083-1103): EAVVTCRNHH[Val1093Ala]AAALGLCPRE

ClinVar aggregate classification (germline): Uncertain significance (1 of 4 stars; one submission).

Conditions:
Dyskeratosis congenita. Identifiers: Orphanet 1775, MedGen C0265965, MONDO:0015780.

Submission:

Labcorp Genetics (formerly Invitae), Labcorp
Classification: Uncertain significance for Dyskeratosis congenita. Last evaluated: 2021-09-18. Review status: criteria provided, single submitter. Criteria: Invitae Variant Classification Sherloc (09022015). Collection method: clinical testing. Allele origin: germline.
Comment: This sequence change replaces valine with alanine at codon 1093 of the CTC1 protein (p.Val1093Ala). The valine residue is highly conserved and there is a small physicochemical difference between valine and alanine. This variant is not present in population databases (ExAC no frequency). This variant has not been reported in the literature in individuals affected with CTC1-related conditions. Algorithms developed to predict the effect of missense changes on protein structure and function (SIFT, PolyPhen-2, Align-GVGD) all suggest that this variant is likely to be disruptive. In summary, the available evidence is currently insufficient to determine the role of this variant in disease. Therefore, it has been classified as a Variant of Uncertain Significance.